The following is an entry in ClinVar:

NM_001366900.1(TTC21A):c.3631G>A (p.Asp1211Asn)

Gene: TTC21A (tetratricopeptide repeat domain 21A; plus strand). Cytogenetic location: 3p22.2.
Variant type: single nucleotide variant.
Coding change: c.3631G>A on transcript NM_001366900.1 (MANE Select); coding-DNA position 3631, G replaced by A.
Protein change: p.Asp1211Asn; replaces aspartic acid 1211 with asparagine.
Molecular consequence: missense variant. On other transcripts: non-coding transcript variant (3).
Genome position (GRCh38, 1-based): chr3:39,137,666, G>A. VCF-style: chr3-39137666-G-A. GRCh37 (hg19) VCF-style: chr3-39179157-G-A.
Other names: c.3508G>A, p.Asp1170Asn (NM_001105513.3); c.3655G>A, p.Asp1219Asn (NM_001366899.1); c.3652G>A, p.Asp1218Asn (NM_145755.3); short protein forms D1170N, D1211N, D1218N, D1219N.
Identifiers: ClinVar variation 3056234 (VCV003056234.2), dbSNP rs115085086, ClinGen allele CA2325073.

ClinVar aggregate classification (germline): Benign (0 of 4 stars; one submission).

Conditions:
TTC21A-related disorder. Also called: TTC21A-related condition.

Allele frequency attached by ClinVar (database versions not stated): ExAC 0.00246; gnomAD 0.00764; ESP Exome Variant Server 0.00774; 1000 Genomes Project 0.00899; TOPMed 0.00926; 1000 Genomes Project 30x 0.00937.

Submission:

PreventionGenetics, part of Exact Sciences
Classification: Benign for TTC21A-related condition. Last evaluated: 2019-11-25. Review status: no assertion criteria provided. Collection method: clinical testing. Allele origin: germline.
Comment: This variant is classified as benign based on ACMG/AMP sequence variant interpretation guidelines (Richards et al. 2015 PMID: 25741868, with internal and published modifications).